The following is an entry in ClinVar:

ClinVar aggregate classification (germline): Uncertain significance (1 of 4 stars; one submission).

Conditions:
Leber congenital amaurosis 4 (LCA4). Identifiers: MedGen C1858386, MONDO:0011458, OMIM 604393.

Submission:

Labcorp Genetics (formerly Invitae), Labcorp
Classification: Uncertain significance for Leber congenital amaurosis 4. Last evaluated: 2020-03-11. Review status: criteria provided, single submitter. Criteria: Invitae Variant Classification Sherloc (09022015). Collection method: clinical testing. Allele origin: germline.
Comment: This sequence change replaces serine with asparagine at codon 254 of the AIPL1 protein (p.Ser254Asn). The serine residue is moderately conserved and there is a small physicochemical difference between serine and asparagine. This variant is not present in population databases (ExAC no frequency). This variant has not been reported in the literature in individuals with AIPL1-related conditions. Algorithms developed to predict the effect of missense changes on protein structure and function (SIFT, PolyPhen-2, Align-GVGD) all suggest that this variant is likely to be tolerated, but these predictions have not been confirmed by published functional studies and their clinical significance is uncertain. In summary, the available evidence is currently insufficient to determine the role of this variant in disease. Therefore, it has been classified as a Variant of Uncertain Significance.

NM_014336.5(AIPL1):c.761G>A (p.Ser254Asn)

Gene: AIPL1 (AIP like 1 HSP90 co-chaperone; minus strand). Cytogenetic location: 17p13.2.
Variant type: single nucleotide variant.
Coding change: c.761G>A on transcript NM_014336.5 (MANE Select); coding-DNA position 761, G replaced by A.
Protein change: p.Ser254Asn; replaces serine 254 with asparagine.
Molecular consequence: missense variant.
Genome position (GRCh38, 1-based): chr17:6,426,638, C>T on the plus strand (G>A on the coding strand, the complement: AIPL1 is on the minus strand). VCF-style: chr17-6426638-C-T. GRCh37 (hg19) VCF-style: chr17-6329958-C-T.
Other names: c.572G>A, p.Ser191Asn (NM_001033054.3); c.581G>A, p.Ser194Asn (NM_001033055.3); c.725G>A, p.Ser242Asn (NM_001285399.3); c.695G>A, p.Ser232Asn (NM_001285400.3); c.689G>A, p.Ser230Asn (NM_001285401.3); c.644G>A, p.Ser215Asn (NM_001285402.2); c.737G>A, p.Ser246Asn (NM_001285403.4); short protein forms S191N, S194N, S215N, S230N, S232N, S242N, S246N, S254N.
Identifiers: ClinVar variation 1002818 (VCV001002818.8), dbSNP rs1911992920, ClinGen allele CA397395042.